The following is an entry in ClinVar:

ClinVar aggregate classification (germline): Likely benign. Review status: criteria provided, multiple submitters, no conflicts (2 of 4 stars). 3 submissions from 3 submitters: Likely benign (2). 1 of the submissions does not count toward it. Last evaluated 2025-12-01.

Conditions:
2-aminoadipic 2-oxoadipic aciduria (AAKAD). Also called: Aminoadipic aciduria; ALPHA-AMINOADIPIC AND ALPHA-KETOADIPIC ACIDURIA. Identifiers: Orphanet 79154, MedGen C1859817, MONDO:0008774, OMIM 204750.
DHTKD1-related disorder. Also called: DHTKD1-related condition.

Allele frequency attached by ClinVar (database versions not stated): gnomAD 0.00156; TOPMed 0.00179; 1000 Genomes Project 30x 0.00187; 1000 Genomes Project 0.00200; ESP Exome Variant Server 0.00261.

Submissions (3):

Labcorp Genetics (formerly Invitae), Labcorp
Classification: Likely benign for 2-aminoadipic 2-oxoadipic aciduria. Last evaluated: 2025-12-01. Review status: criteria provided, single submitter. Criteria: Invitae Variant Classification Sherloc (09022015). Collection method: clinical testing. Allele origin: germline.

Breakthrough Genomics
Classification: Likely benign. Review status: criteria provided, single submitter. Criteria: ACMG Guidelines, 2015. Collection method: not provided. Allele origin: germline. Inheritance: Autosomal recessive inheritance. Affected: yes.

PreventionGenetics, part of Exact Sciences
Classification: Likely benign for DHTKD1-related condition. Last evaluated: 2020-01-06. Review status: no assertion criteria provided. Collection method: clinical testing. Allele origin: germline. Not counted in ClinVar's aggregate classification.
Comment: This variant is classified as likely benign based on ACMG/AMP sequence variant interpretation guidelines (Richards et al. 2015 PMID: 25741868, with internal and published modifications).

NM_018706.7(DHTKD1):c.443A>C (p.Lys148Thr)

Gene: DHTKD1 (dehydrogenase E1 and transketolase domain containing 1; plus strand). Cytogenetic location: 10p14.
Variant type: single nucleotide variant.
Coding change: c.443A>C on transcript NM_018706.7 (MANE Select); coding-DNA position 443, A replaced by C.
Protein change: p.Lys148Thr; replaces lysine 148 with threonine.
Molecular consequence: missense variant.
Genome position (GRCh38, 1-based): chr10:12,084,672, A>C. VCF-style: chr10-12084672-A-C. GRCh37 (hg19) VCF-style: chr10-12126671-A-C.
Other names: short protein forms K148T.
Identifiers: ClinVar variation 729952 (VCV000729952.11), dbSNP rs141676270, ClinGen allele CA5407534.